The following is an entry in ClinVar:

ClinVar aggregate classification (germline): Conflicting classifications of pathogenicity. Review status: criteria provided, conflicting classifications (1 of 4 stars). 6 submissions from 6 submitters: Uncertain significance (5); Likely benign (1). Last evaluated 2025-10-15.

Conditions:
Arrhythmogenic right ventricular cardiomyopathy (ARVD). Also called: Arrhythmogenic cardiomyopathy; Arrhythmogenic Right Ventricular Cardiomyopathy (ARVC); Cardiomyopathy, ARVC; Arrhythmogenic right ventricular dysplasia. Identifiers: Orphanet 247, MedGen C0349788, MeSH D019571, MONDO:0016587. Disease mechanism: loss of function. Inheritance: Various modes of inheritance.
Cardiomyopathy (CMYO). Also called: Cardiomyopathies. Identifiers: Orphanet 167848, MedGen C0878544, MONDO:0004994, HP:0001638. Inheritance: Various modes of inheritance.
Arrhythmogenic right ventricular dysplasia 9 (ARVD9). Also called: Arrhythmogenic Right Ventricular Dysplasia/Cardiomyopathy 9; ARRHYTHMOGENIC RIGHT VENTRICULAR DYSPLASIA, FAMILIAL, 9. Identifiers: MedGen C1836906, MONDO:0012180, OMIM 609040.

Allele frequency attached by ClinVar (database versions not stated): gnomAD 0.00001; TOPMed 0.00001; ExAC 0.00002; gnomAD exomes 0.00002 and 0.00004.
gnomAD v4.1: 37 of 1,613,502 alleles (0.0023%); highest among the groups gnomAD compares: East Asian, 0.053%; no homozygotes.

Submissions (6):

Labcorp Genetics (formerly Invitae), Labcorp
Classification: Uncertain significance for Arrhythmogenic right ventricular dysplasia 9. Last evaluated: 2025-10-15. Review status: criteria provided, single submitter. Criteria: Invitae Variant Classification Sherloc (09022015). Collection method: clinical testing. Allele origin: germline.
Comment: This sequence change replaces isoleucine, which is neutral and non-polar, with valine, which is neutral and non-polar, at codon 520 of the PKP2 protein (p.Ile520Val). This variant is present in population databases (rs763749576, gnomAD 0.04%). This missense change has been observed in individual(s) with dilated cardiomyopathy (PMID: 31983221). ClinVar contains an entry for this variant (Variation ID: 201986). An algorithm developed to predict the effect of missense changes on protein structure and function outputs the following: PolyPhen-2: "Benign". The valine amino acid residue is found in multiple mammalian species, which suggests that this missense change does not adversely affect protein function. In summary, the available evidence is currently insufficient to determine the role of this variant in disease. Therefore, it has been classified as a Variant of Uncertain Significance.

Color Diagnostics, LLC DBA Color Health
Classification: Uncertain significance for Cardiomyopathy. Last evaluated: 2024-02-07. Review status: criteria provided, single submitter. Criteria: ACMG Guidelines, 2015. Collection method: clinical testing. Allele origin: germline.
Comment: This missense variant replaces isoleucine with valine at codon 520 of the PKP2 protein. Computational prediction suggests that this variant may not impact protein structure and function (internally defined REVEL score threshold <= 0.5, PMID: 27666373). To our knowledge, functional studies have not been reported for this variant. This variant has not been reported in individuals affected with cardiovascular disorders in the literature. This variant has been identified in 10/251262 chromosomes in the general population by the Genome Aggregation Database (gnomAD). The available evidence is insufficient to determine the role of this variant in disease conclusively. Therefore, this variant is classified as a Variant of Uncertain Significance.

All of Us Research Program, National Institutes of Health
Classification: Uncertain significance for Arrhythmogenic right ventricular cardiomyopathy. Last evaluated: 2023-11-30. Review status: criteria provided, single submitter. Criteria: ACMG Guidelines, 2015. Collection method: clinical testing. Allele origin: germline. Inheritance: Autosomal dominant inheritance. Observed: 3 variant alleles, 3 heterozygotes.
Comment: This missense variant replaces isoleucine with valine at codon 520 of the PKP2 protein. Computational prediction suggests that this variant may not impact protein structure and function (internally defined REVEL score threshold <= 0.5, PMID: 27666373). To our knowledge, functional studies have not been reported for this variant. This variant has not been reported in individuals affected with cardiovascular disorders in the literature. This variant has been identified in 10/251262 chromosomes in the general population by the Genome Aggregation Database (gnomAD). The available evidence is insufficient to determine the role of this variant in disease conclusively. Therefore, this variant is classified as a Variant of Uncertain Significance.

This study involves interpretation of variants in research participants for the purpose of population health screening. Participant phenotype was not available at the time of variant classification. Additional details can be found in publication PMID: 35346344, PMCID: PMC8962531

GeneDx
Classification: Uncertain significance. Last evaluated: 2023-06-13. Review status: criteria provided, single submitter. Criteria: GeneDx Variant Classification Process June 2021. Collection method: clinical testing. Allele origin: germline. Affected: yes.
Comment: In silico analysis supports that this missense variant does not alter protein structure/function; Identified in a patient with DCM in published literature; however, detailed clinical information was not provided (Mazzarotto et al., 2020); This variant is associated with the following publications: (PMID: 31983221)

CHEO Genetics Diagnostic Laboratory, Children's Hospital of Eastern Ontario
Classification: Likely benign for Cardiomyopathy. Last evaluated: 2018-03-15. Review status: criteria provided, single submitter. Criteria: ACMG Guidelines, 2015. Collection method: clinical testing. Allele origin: germline.

Illumina Laboratory Services, Illumina
Classification: Uncertain significance for Arrhythmogenic right ventricular dysplasia 9. Last evaluated: 2018-01-13. Review status: criteria provided, single submitter. Criteria: ICSL Variant Classification Criteria 13 December 2019. Collection method: clinical testing. Allele origin: germline.

Literature cited by the submitters: PubMed 31983221 (cited by Labcorp Genetics (formerly Invitae), Labcorp).

NM_001005242.3(PKP2):c.1426A>G (p.Ile476Val)

Gene: PKP2 (plakophilin 2; minus strand). Cytogenetic location: 12p11.21.
Variant type: single nucleotide variant.
Coding change: c.1426A>G on transcript NM_001005242.3 (MANE Select); coding-DNA position 1426, A replaced by G.
Protein change: p.Ile476Val; replaces isoleucine 476 with valine.
Molecular consequence: missense variant.
Genome position (GRCh38, 1-based): chr12:32,841,158, T>C on the plus strand (A>G on the coding strand, the complement: PKP2 is on the minus strand). VCF-style: chr12-32841158-T-C. GRCh37 (hg19) VCF-style: chr12-32994092-T-C.
Other names: p.I520V:ATA>GTA; c.1558A>G, p.Ile520Val (NM_004572.4); short protein forms I520V, I476V.
Identifiers: ClinVar variation 201986 (VCV000201986.22), dbSNP rs763749576, ClinGen allele CA011145.